The following is an entry in ClinVar:

ClinVar aggregate classification (germline): Uncertain significance. Review status: criteria provided, multiple submitters, no conflicts (2 of 4 stars). 3 submissions from 3 submitters: Uncertain significance (3). Last evaluated 2025-07-15.

Conditions:
Inborn genetic diseases. Identifiers: MedGen C0950123, MeSH D030342.

Submissions (3):

Labcorp Genetics (formerly Invitae), Labcorp
Classification: Uncertain significance. Last evaluated: 2025-07-15. Review status: criteria provided, single submitter. Criteria: Invitae Variant Classification Sherloc (09022015). Collection method: clinical testing. Allele origin: germline.
Comment: This sequence change replaces methionine, which is neutral and non-polar, with valine, which is neutral and non-polar, at codon 160 of the RP1L1 protein (p.Met160Val). This variant is present in population databases (rs369240307, gnomAD 0.01%). This variant has not been reported in the literature in individuals affected with RP1L1-related conditions. ClinVar contains an entry for this variant (Variation ID: 3434932). Invitae Evidence Modeling of protein sequence and biophysical properties (such as structural, functional, and spatial information, amino acid conservation, physicochemical variation, residue mobility, and thermodynamic stability) indicates that this missense variant is not expected to disrupt RP1L1 protein function with a negative predictive value of 80%. In summary, the available evidence is currently insufficient to determine the role of this variant in disease. Therefore, it has been classified as a Variant of Uncertain Significance.

Ambry Genetics
Classification: Uncertain significance for Inborn genetic diseases. Last evaluated: 2024-08-11. Review status: criteria provided, single submitter. Criteria: Ambry Variant Classification Scheme 2023. Collection method: clinical testing. Allele origin: germline.

Blueprint Genetics
Classification: Uncertain significance. Last evaluated: 2024-05-08. Review status: criteria provided, single submitter. Criteria: ACMG Guidelines, 2015. Collection method: clinical testing. Allele origin: germline.

NM_178857.6(RP1L1):c.478A>G (p.Met160Val)

Gene: RP1L1 (RP1 like 1). Cytogenetic location: 8p23.1.
Variant type: single nucleotide variant.
Coding change: c.478A>G on transcript NM_178857.6 (MANE Select); coding-DNA position 478, A replaced by G.
Protein change: p.Met160Val; replaces methionine 160 with valine.
Molecular consequence: missense variant.
Genome position (GRCh38, 1-based): chr8:10,622,724, T>C on the plus strand (A>G on the coding strand, the complement: RP1L1 is on the minus strand). VCF-style: chr8-10622724-T-C. GRCh37 (hg19) VCF-style: chr8-10480234-T-C.
Other names: short protein forms M160V.
Identifiers: ClinVar variation 3434932 (VCV003434932.3).